The following is an entry in ClinVar:

NM_000059.4(BRCA2):c.1309A>T (p.Lys437Ter)

Gene: BRCA2 (BRCA2 DNA repair associated; plus strand). Cytogenetic location: 13q13.1.
Variant type: single nucleotide variant.
Coding change: c.1309A>T on transcript NM_000059.4 (MANE Select); coding-DNA position 1309, A replaced by T.
Protein change: p.Lys437Ter; replaces lysine 437 with a stop codon.
Molecular consequence: nonsense. On other transcripts: non-coding transcript variant (1), intron variant (1).
Genome position (GRCh38, 1-based): chr13:32,332,787, A>T. VCF-style: chr13-32332787-A-T. GRCh37 (hg19) VCF-style: chr13-32906924-A-T.
Other names: c.1309A>T, p.Lys437Ter (NM_001406719.1, NM_001406720.1, NM_001406721.1 and 1 more transcripts); c.424+1757A>T (NM_001406722.1); short protein forms K437*.
Identifiers: ClinVar variation 3572341 (VCV003572341.4).
Genomic context (GRCh38, chr13:32,332,787, plus strand): 5'-TCTTCATGTGACCAAAATATTTCAGAAAAAGACCTATTAGACACAGAGAACAAAAGAAAG[A>T]AAGATTTTCTTACTTCAGAGAATTCTTTGCCACGTATTTCTAGCCTACCAAAATCAGAGA-3'

ClinVar aggregate classification (germline): Pathogenic. Review status: criteria provided, multiple submitters, no conflicts (2 of 4 stars). 3 submissions from 3 submitters: Pathogenic (3). Last evaluated 2025-06-20.

Conditions:
Hereditary breast ovarian cancer syndrome. Also called: Hereditary breast and/or ovarian cancer syndrome; BRCA1- and BRCA2-Associated Hereditary Breast and Ovarian Cancer; Hereditary breast and ovarian cancer syndrome (HBOC); Hereditary breast and ovarian cancer syndrome; Breast and ovarian cancer; Hereditary breast and ovarian cancer. Identifiers: Orphanet 145, MedGen C0677776, MeSH D061325, MONDO:0003582. Disease mechanism: loss of function.
Breast-ovarian cancer, familial, susceptibility to, 2 (BROVCA2). Also called: BRCA2 Hereditary Breast and Ovarian Cancer. Identifiers: Orphanet 145, MedGen C2675520, MONDO:0012933, OMIM 612555. Disease mechanism: loss of function.

Submissions (3):

Quest Diagnostics Nichols Institute San Juan Capistrano
Classification: Pathogenic. Last evaluated: 2025-06-20. Review status: criteria provided, single submitter. Criteria: Quest Diagnostics criteria. Collection method: clinical testing. Allele origin: unknown.
Comment: The BRCA2 c.1309A>T (p.Lys437*) variant causes the premature termination of BRCA2 protein synthesis. This variant has not been reported in individuals with BRCA2-related conditions in the published literature. This variant has not been reported in large, multi-ethnic general populations (Genome Aggregation Database). Based on the available information, this variant is classified as pathogenic.

Labcorp Genetics (formerly Invitae), Labcorp
Classification: Pathogenic for Hereditary breast ovarian cancer syndrome. Last evaluated: 2025-05-13. Review status: criteria provided, single submitter. Criteria: Invitae Variant Classification Sherloc (09022015). Collection method: clinical testing. Allele origin: germline.
Comment: This sequence change creates a premature translational stop signal (p.Lys437*) in the BRCA2 gene. It is expected to result in an absent or disrupted protein product. Loss-of-function variants in BRCA2 are known to be pathogenic (PMID: 20104584). This variant is not present in population databases (gnomAD no frequency). This variant has not been reported in the literature in individuals affected with BRCA2-related conditions. ClinVar contains an entry for this variant (Variation ID: 3572341). For these reasons, this variant has been classified as Pathogenic.

Myriad Genetics, Inc.
Classification: Pathogenic for Breast-ovarian cancer, familial, susceptibility to, 2. Last evaluated: 2024-12-19. Review status: criteria provided, single submitter. Criteria: Myriad Autosomal Dominant, Autosomal Recessive and X-Linked Classification Criteria (2023). Collection method: clinical testing. Allele origin: unknown.
Comment: This variant is considered pathogenic. This variant creates a termination codon and is predicted to result in premature protein truncation.

Literature cited by the submitters: PubMed 20104584 (cited by Labcorp Genetics (formerly Invitae), Labcorp).